The following is an entry in ClinVar:

ClinVar aggregate classification (germline): Likely pathogenic (1 of 4 stars; one submission).

Conditions:
BMP2-related disorder. Also called: BMP2-related condition.

Submission:

PreventionGenetics, part of Exact Sciences
Classification: Likely pathogenic for BMP2-related condition. Last evaluated: 2023-02-06. Review status: criteria provided, single submitter. Criteria: ACMG Guidelines, 2015. Collection method: clinical testing. Allele origin: germline.
Comment: The BMP2 c.1026dupT variant is predicted to result in a frameshift and premature protein termination (p.Ala343Cysfs*11). To our knowledge, this variant has not been reported in the literature or in a large population database, indicating this variant is rare. This change is located in the terminal exon of BMP2. Other early termination changes upstream in this same exon, but not downstream, have been documented as causative (Tan et al. 2017. PubMed ID: 29198724). Frameshift variants in BMP2 are expected to be pathogenic. This variant is interpreted as likely pathogenic.

NM_001200.4(BMP2):c.1026dup (p.Ala343fs)

Gene: BMP2 (bone morphogenetic protein 2; plus strand). Cytogenetic location: 20p12.3.
Variant type: Duplication.
Coding change: c.1026dup on transcript NM_001200.4 (MANE Select); coding-DNA position 1026, one base duplicated (T; older notation c.1026dupT).
Protein change: p.Ala343fs; shifts the reading frame from alanine 343.
Molecular consequence: frameshift variant.
Genome position (GRCh38, 1-based): chr20:6,778,924, T duplicated. VCF-style (leftmost placement, unchanged base first): chr20-6778923-A-AT. GRCh37 (hg19) VCF-style: chr20-6759570-A-AT.
Other names: short protein forms A343fs.
Identifiers: ClinVar variation 2636252 (VCV002636252.1), dbSNP rs2514427113, ClinGen allele CA2695201375.
Genomic context (GRCh38, chr20:6,778,923, plus strand): 5'-CCTTTTACTGCCACGGAGAATGCCCTTTTCCTCTGGCTGATCATCTGAACTCCACTAATC[A>AT]TGCCATTGTTCAGACGTTGGTCAACTCTGTTAACTCTAAGATTCCTAAGGCATGCTGTGT-3'